The following is an entry in ClinVar:

ClinVar aggregate classification (germline): Pathogenic (1 of 4 stars; one submission).

Conditions:
Duchenne muscular dystrophy (DMD). Also called: MUSCULAR DYSTROPHY, PSEUDOHYPERTROPHIC PROGRESSIVE, DUCHENNE TYPE; Duchenne Muscular Dystrophy (DMD). Identifiers: Orphanet 98896, MedGen C0013264, MONDO:0010679, OMIM 310200.

Submission:

Labcorp Genetics (formerly Invitae), Labcorp
Classification: Pathogenic for Duchenne muscular dystrophy. Last evaluated: 2022-11-24. Review status: criteria provided, single submitter. Criteria: Invitae Variant Classification Sherloc (09022015). Collection method: clinical testing. Allele origin: germline.
Comment: This sequence change creates a premature translational stop signal (p.Thr2612Ilefs*3) in the DMD gene. It is expected to result in an absent or disrupted protein product. Loss-of-function variants in DMD are known to be pathogenic (PMID: 16770791, 25007885). This variant is not present in population databases (gnomAD no frequency). This variant has not been reported in the literature in individuals affected with DMD-related conditions. For these reasons, this variant has been classified as Pathogenic.

Literature cited by the submitters: PubMed 16770791; PubMed 25007885.

NM_004006.3(DMD):c.7833_7834dup (p.Thr2612fs)

Gene: DMD (dystrophin; minus strand). Cytogenetic location: Xp21.1.
Variant type: Microsatellite.
Coding change: c.7833_7834dup on transcript NM_004006.3 (MANE Select); coding-DNA positions 7833 to 7834, 2 bases duplicated (TA; older notation c.7833_7834dupTA).
Protein change: p.Thr2612fs; shifts the reading frame from threonine 2612.
Molecular consequence: frameshift variant.
Genome position (GRCh38, 1-based): chrX:31,679,413-31,679,414, TA duplicated on the plus strand (TA on the coding strand, the reverse complement: DMD is on the minus strand); duplicating any 2 consecutive bases within chrX:31,679,413-31,679,416 gives the same sequence; the c. name uses the placement nearest the transcript's 3' end. VCF-style (leftmost placement, unchanged base first): chrX-31679412-G-GTA. GRCh37 (hg19) VCF-style: chrX-31697529-G-GTA.
Other names: c.7809_7810dup, p.Thr2604fs (NM_000109.4); c.7821_7822dup, p.Thr2608fs (NM_004009.3); c.7464_7465dup, p.Thr2489fs (NM_004010.3); c.3810_3811dup, p.Thr1271fs (NM_004011.4); c.3801_3802dup, p.Thr1268fs (NM_004012.4); c.453_454dup, p.Thr152fs (NM_004013.3, NM_004020.4, NM_004021.3 and 2 more transcripts); short protein forms T2604fs, T1268fs, T152fs, T2489fs, T2612fs, T1271fs, T2608fs.
Identifiers: ClinVar variation 2816377 (VCV002816377.3), dbSNP rs2529175355, ClinGen allele CA2739268169.